The following is an entry in ClinVar:

ClinVar aggregate classification (germline): Conflicting classifications of pathogenicity. Review status: criteria provided, conflicting classifications (1 of 4 stars). 9 submissions from 9 submitters: Pathogenic (1); Uncertain significance (2); Likely benign (4). 2 of the submissions do not count toward it. Last evaluated 2025-06-23.

Conditions:
CDKN1B-related disorder. Also called: CDKN1B-related condition.
Primary hyperparathyroidism. Also called: Primary hyperparathyroidism (disease). Identifiers: MedGen C0221002, MONDO:0010837, HP:0008200.
Multiple endocrine neoplasia type 4. Also called: MULTIPLE ENDOCRINE NEOPLASIA, TYPE IV. Identifiers: Orphanet 276152, MedGen C1970712, MONDO:0012552, OMIM 610755.

Submissions (9):

Mendelics
Classification: Likely benign for Multiple endocrine neoplasia type 4. Last evaluated: 2025-06-23. Review status: criteria provided, single submitter. Criteria: ACMG Guidelines, 2015. Collection method: clinical testing. Allele origin: unknown.
Comment: This variant is considered likely benign or benign based on one or more of the following: it is predicted to be benign by multiple in silico algorithms, and/or has population frequency not consistent with disease, and/or has normal protein function, and/or has lack of segregation with disease, and/or has been detected in co-occurrence with known pathogenic variant, and/or has lack of disease association in case-control studies, and/or is located in a region inconsistent with a known cause of pathogenicity.

Center for Genomic Medicine, Rigshospitalet, Copenhagen University Hospital
Classification: Uncertain significance. Last evaluated: 2025-03-04. Review status: criteria provided, single submitter. Criteria: ACMG Guidelines, 2015. Collection method: clinical testing. Allele origin: germline.

Labcorp Genetics (formerly Invitae), Labcorp
Classification: Likely benign for Multiple endocrine neoplasia type 4. Last evaluated: 2024-10-08. Review status: criteria provided, single submitter. Criteria: Invitae Variant Classification Sherloc (09022015). Collection method: clinical testing. Allele origin: germline.

GeneDx
Classification: Uncertain significance. Last evaluated: 2024-06-13. Review status: criteria provided, single submitter. Criteria: GeneDx Variant Classification Process June 2021. Collection method: clinical testing. Allele origin: germline. Affected: yes.
Comment: Published functional studies demonstrate a damaging effect: decreased transcriptional activity, reduced p27 mRNA, and increased cytoplasmic localization (PMID: 22129891, 25645465, 27038812); Identified in patients with clinical features of Multiple Endocrine Neoplasia syndrome type 4 (MEN4) in published literature, but inherited from an unaffected parent in at least one family (PMID: 22129891, 25645465, 27038812, 32232325); Deleted nucleotides are not conserved across species; Also known as c.-32_-29del; This variant is associated with the following publications: (PMID: 27038812, 28824003, 25645465, 26054904, 27657986, 24819502, 30555957, 32232325, 34426522, 30065701, 35355569, 30990521, 36520683, 22129891)

CeGaT Center for Human Genetics Tuebingen
Classification: Likely benign. Last evaluated: 2023-09-01. Review status: criteria provided, single submitter. Criteria: CeGaT Center For Human Genetics Tuebingen Variant Classification Criteria Version 2. Collection method: clinical testing. Allele origin: germline. Affected: yes. Observed: 10 variant alleles.
Comment: CDKN1B: PS3:Moderate, BP4, BS1

Institute of Human Genetics, University of Leipzig Medical Center
Classification: Likely benign for Multiple endocrine neoplasia type 4. Last evaluated: 2019-01-01. Review status: criteria provided, single submitter. Criteria: ACMG Guidelines, 2015. Collection method: clinical testing. Allele origin: unknown. Affected: no.

Endocrine Unit 2, University Hospital of Pisa
Classification: Pathogenic for Primary hyperparathyroidism. Last evaluated: 2015-01-01. Review status: criteria provided, single submitter. Criteria: ACMG Guidelines, 2015. Collection method: research, in vitro. Allele origin: germline. Inheritance: Autosomal dominant inheritance. Affected: yes. Observed: 1 variant allele, 1 heterozygote.

PreventionGenetics, part of Exact Sciences
Classification: Likely benign for CDKN1B-related condition. Last evaluated: 2024-02-16. Review status: no assertion criteria provided. Collection method: clinical testing. Allele origin: germline. Not counted in ClinVar's aggregate classification.
Comment: This variant is classified as likely benign based on ACMG/AMP sequence variant interpretation guidelines (Richards et al. 2015 PMID: 25741868, with internal and published modifications).

OMIM
Classification: Pathogenic for MULTIPLE ENDOCRINE NEOPLASIA, TYPE IV. Last evaluated: 2012-03-01. Review status: no assertion criteria provided. Collection method: literature only. Allele origin: germline. Not counted in ClinVar's aggregate classification.

Literature cited by the submitters: PubMed 25645465 (cited by Center for Genomic Medicine, Rigshospitalet, Copenhagen University Hospital); PubMed 22129891 (cited by Center for Genomic Medicine, Rigshospitalet, Copenhagen University Hospital and OMIM); PubMed 27038812 (cited by Center for Genomic Medicine, Rigshospitalet, Copenhagen University Hospital).

NM_004064.5(CDKN1B):c.-31AG[1]

Gene: CDKN1B (cyclin dependent kinase inhibitor 1B; plus strand). Cytogenetic location: 12p13.1.
Variant type: Microsatellite.
Coding change: c.-31AG[1] on transcript NM_004064.5 (MANE Select); one copy of the 2-base unit AG starting at c.-31; the reference has three copies in a row; two copies, 4 bases deleted.
Molecular consequence: 5 prime UTR variant.
Genome position (GRCh38, 1-based): chr12:12,717,811-12,717,814, AGAG deleted; deleting any 4 consecutive bases within chr12:12,717,808-12,717,814 gives the same sequence; the position shown is the placement nearest the transcript's 3' end. VCF-style (leftmost placement, unchanged base first): chr12-12717807-CGAGA-C. GRCh37 (hg19) VCF-style: chr12-12870741-CGAGA-C.
Other names: c.-29_-26delAGAG (NM_004064.5, NM_004064.4).
Identifiers: ClinVar variation 217126 (VCV000217126.74), dbSNP rs774454456, ClinGen allele CA186089.